The following is an entry in ClinVar:

ClinVar aggregate classification (germline): Benign. Review status: criteria provided, multiple submitters, no conflicts (2 of 4 stars). 2 submissions from 2 submitters: Benign (2). Last evaluated 2018-01-13.

Conditions:
Methylmalonate semialdehyde dehydrogenase deficiency (MMSDHD). Also called: MMSDH DEFICIENCY. Identifiers: Orphanet 289307, MedGen C3279840, MONDO:0013579, OMIM 614105.

Allele frequency attached by ClinVar (database versions not stated): gnomAD exomes 0.00448; gnomAD 0.01870 and 0.01924; 1000 Genomes Project 0.01897; 1000 Genomes Project 30x 0.01936; TOPMed 0.02002.
gnomAD v4.1: 6,309 of 905,568 alleles (0.7%); highest among the groups gnomAD compares: African/African-American, 5.1%; 97 homozygotes.

Submissions (2):

Illumina Laboratory Services, Illumina
Classification: Benign for Methylmalonate semialdehyde dehydrogenase deficiency. Last evaluated: 2018-01-13. Review status: criteria provided, single submitter. Criteria: ICSL Variant Classification Criteria 13 December 2019. Collection method: clinical testing. Allele origin: germline.
Comment: This variant was observed in the ICSL laboratory as part of a predisposition screen in an ostensibly healthy population. It had not been previously curated by ICSL or reported in the Human Gene Mutation Database (HGMD: prior to June 1st, 2018), and was therefore a candidate for classification through an automated scoring system. Utilizing variant allele frequency, disease prevalence and penetrance estimates, and inheritance mode, an automated score was calculated to assess if this variant is too frequent to cause the disease. Based on the score and internal cut-off values, a variant classified as benign is not then subjected to further curation. The score for this variant resulted in a classification of benign for this disease.

Breakthrough Genomics
Classification: Benign. Review status: criteria provided, single submitter. Criteria: ACMG Guidelines, 2015. Collection method: not provided. Allele origin: germline. Inheritance: Autosomal recessive inheritance. Affected: yes.

NM_005589.4(ALDH6A1):c.*2680A>G

Genes: ALDH6A1 (aldehyde dehydrogenase 6 family member A1; minus strand), BBOF1 (basal body orientation factor 1; plus strand). Cytogenetic location: 14q24.3.
Variant type: single nucleotide variant.
Coding change: c.*2680A>G on transcript NM_005589.4 (MANE Select); 2680 bases downstream of the stop codon, A replaced by G.
Molecular consequence: 3 prime UTR variant. On other transcripts: intron variant (1).
Genome position (GRCh38, 1-based): chr14:74,057,962, T>C on the plus strand (A>G on the coding strand, the complement: ALDH6A1 is on the minus strand). VCF-style: chr14-74057962-T-C. GRCh37 (hg19) VCF-style: chr14-74524665-T-C.
Other names: c.*2680A>G (NM_001278593.2, NM_001278594.2); c.1578+704T>C (NM_025057.3).
Identifiers: ClinVar variation 887994 (VCV000887994.5), dbSNP rs10139971, ClinGen allele CA263532833.